The following is an entry in ClinVar:

ClinVar aggregate classification (germline): Likely pathogenic (0 of 4 stars; one submission).

Conditions:
NHS-related disorder. Also called: NHS-related condition.

Submission:

PreventionGenetics, part of Exact Sciences
Classification: Likely pathogenic for NHS-related condition. Last evaluated: 2024-01-21. Review status: no assertion criteria provided. Collection method: clinical testing. Allele origin: germline.
Comment: The NHS c.243_244delTC variant is predicted to result in a frameshift and premature protein termination (p.Gln82Alafs*100). To our knowledge, this variant has not been reported in the literature or in a large population database, indicating this variant is rare. Frameshift variants in NHS are expected to be pathogenic. This variant is interpreted as likely pathogenic.

NM_001291867.2(NHS):c.243_244del (p.Gln82fs)

Gene: NHS (NHS actin remodeling regulator; plus strand). Cytogenetic location: Xp22.2.
Variant type: Deletion.
Coding change: c.243_244del on transcript NM_001291867.2 (MANE Select); coding-DNA positions 243 to 244, 2 bases deleted (TC; older notation c.243_244delTC).
Protein change: p.Gln82fs; shifts the reading frame from glutamine 82.
Molecular consequence: frameshift variant.
Genome position (GRCh38, 1-based): chrX:17,376,000-17,376,001, TC deleted; deleting any 2 consecutive bases within chrX:17,375,999-17,376,001 gives the same sequence; the c. name uses the placement nearest the transcript's 3' end. VCF-style (leftmost placement, unchanged base first): chrX-17375998-ACT-A. GRCh37 (hg19) VCF-style: chrX-17394121-ACT-A.
Other names: c.243_244del, p.Gln82fs (NM_198270.4); short protein forms Q82fs.
Identifiers: ClinVar variation 3031110 (VCV003031110.2), dbSNP rs2519619779, ClinGen allele CA2740092033.